The following is an entry in ClinVar:

NM_181303.2(NLGN3):c.913+11C>G

Gene: NLGN3 (neuroligin 3; plus strand). Cytogenetic location: Xq13.1.
Variant type: single nucleotide variant.
Coding change: c.913+11C>G on transcript NM_181303.2 (MANE Select); 11 bases into the intron after coding-DNA position 913, C replaced by G.
Molecular consequence: intron variant.
Genome position (GRCh38, 1-based): chrX:71,164,339, C>G. VCF-style: chrX-71164339-C-G. GRCh37 (hg19) VCF-style: chrX-70384189-C-G.
Other names: c.853+11C>G (NM_018977.4); c.793+11C>G (NM_001166660.2); c.502+11C>G (NM_001321276.2).
Identifiers: ClinVar variation 931307 (VCV000931307.4), dbSNP rs202038845, ClinGen allele CA10445093.
Genomic context (GRCh38, chrX:71,164,339, plus strand): 5'-CATTGGTGCATCCTGCGTCAGCCTCCTCACGTTGTCACATCACTCAGAGGGTGAGTAACT[C>G]GTGGGGCAAAACATGAACTAGCCAAGTGCCGGCTGTCCCAGCATGCCCCATCCATGCCCC-3'

ClinVar aggregate classification (germline): Benign/Likely benign. Review status: criteria provided, multiple submitters, no conflicts (2 of 4 stars). 2 submissions from 2 submitters: Benign (1); Likely benign (1). Last evaluated 2024-08-09.

Conditions:
Autism, susceptibility to, X-linked 1 (AUTSX1). Also called: Autism susceptibility, X-linked 1. Identifiers: MedGen C1845540, MONDO:0010321, OMIM 300425.

Allele frequency attached by ClinVar (database versions not stated): gnomAD exomes 0.00018; TOPMed 0.00018; ESP Exome Variant Server 0.00019.

Submissions (2):

Blueprint Genetics
Classification: Likely benign. Last evaluated: 2024-08-09. Review status: criteria provided, single submitter. Criteria: ACMG Guidelines, 2015. Collection method: clinical testing. Allele origin: germline.

Centre for Mendelian Genomics, University Medical Centre Ljubljana
Classification: Benign for Autism, susceptibility to, X-linked 1. Last evaluated: 2019-03-08. Review status: criteria provided, single submitter. Criteria: ACMG Guidelines, 2015. Collection method: clinical testing. Allele origin: unknown. Affected: yes.
Comment: This variant was classified as: Benign. The following ACMG criteria were applied in classifying this variant: BS1,BS2. This variant was detected in hemizygous state.